The following is an entry in ClinVar:

ClinVar aggregate classification (germline): Uncertain significance (1 of 4 stars; one submission).

Submission:

Labcorp Genetics (formerly Invitae), Labcorp
Classification: Uncertain significance. Last evaluated: 2023-12-18. Review status: criteria provided, single submitter. Criteria: Invitae Variant Classification Sherloc (09022015). Collection method: clinical testing. Allele origin: germline.
Comment: This sequence change replaces threonine, which is neutral and polar, with asparagine, which is neutral and polar, at codon 753 of the NAA15 protein (p.Thr753Asn). This variant is not present in population databases (gnomAD no frequency). This variant has not been reported in the literature in individuals affected with NAA15-related conditions. An algorithm developed to predict the effect of missense changes on protein structure and function (PolyPhen-2) suggests that this variant is likely to be tolerated. In summary, the available evidence is currently insufficient to determine the role of this variant in disease. Therefore, it has been classified as a Variant of Uncertain Significance.

NM_057175.5(NAA15):c.2258C>A (p.Thr753Asn)

Gene: NAA15 (N-alpha-acetyltransferase 15, NatA auxiliary subunit; plus strand). Cytogenetic location: 4q31.1.
Variant type: single nucleotide variant.
Coding change: c.2258C>A on transcript NM_057175.5 (MANE Select); coding-DNA position 2258, C replaced by A.
Protein change: p.Thr753Asn; replaces threonine 753 with asparagine.
Molecular consequence: missense variant.
Genome position (GRCh38, 1-based): chr4:139,384,934, C>A. VCF-style: chr4-139384934-C-A. GRCh37 (hg19) VCF-style: chr4-140306088-C-A.
Other names: c.2255C>A, p.Thr752Asn (NM_001410842.1); c.*667C>A (NM_025085.2); short protein forms T753N, T752N.
Identifiers: ClinVar variation 2964593 (VCV002964593.3), dbSNP rs2530480535, ClinGen allele CA358270684.